The following is an entry in ClinVar:

NM_012431.3(SEMA3E):c.1102T>C (p.Ser368Pro)

Gene: SEMA3E (semaphorin 3E; minus strand). Cytogenetic location: 7q21.11.
Variant type: single nucleotide variant.
Coding change: c.1102T>C on transcript NM_012431.3 (MANE Select); coding-DNA position 1102, T replaced by C.
Protein change: p.Ser368Pro; replaces serine 368 with proline.
Molecular consequence: missense variant.
Genome position (GRCh38, 1-based): chr7:83,402,673, A>G on the plus strand (T>C on the coding strand, the complement: SEMA3E is on the minus strand). VCF-style: chr7-83402673-A-G. GRCh37 (hg19) VCF-style: chr7-83031989-A-G.
Other names: c.922T>C, p.Ser308Pro (NM_001178129.2); short protein forms S308P, S368P.
Identifiers: ClinVar variation 3384955 (VCV003384955.1).

ClinVar aggregate classification (germline): Uncertain significance (1 of 4 stars; one submission).

Submission:

Women's Health and Genetics/Laboratory Corporation of America, LabCorp
Classification: Uncertain significance. Last evaluated: 2024-10-31. Review status: criteria provided, single submitter. Criteria: LabCorp Variant Classification Summary - May 2015. Collection method: clinical testing. Allele origin: germline.
Comment: Variant summary: SEMA3E c.1102T>C (p.Ser368Pro) results in a non-conservative amino acid change located in the Sema domain (IPR001627) of the encoded protein sequence. Three of five in-silico tools predict a benign effect of the variant on protein function. The variant was absent in 251060 control chromosomes. The available data on variant occurrences in the general population are insufficient to allow any conclusion about variant significance. To our knowledge, no occurrence of c.1102T>C in individuals affected with SEMA3E-Related Disorders and no experimental evidence demonstrating its impact on protein function have been reported. No submitters have cited clinical-significance assessments for this variant to ClinVar. Based on the evidence outlined above, the variant was classified as uncertain significance.